The following is an entry in ClinVar:

ClinVar aggregate classification (germline): Benign/Likely benign. Review status: criteria provided, multiple submitters, no conflicts (2 of 4 stars). 2 submissions from 2 submitters: Benign (1); Likely benign (1). Last evaluated 2024-09-01.

Conditions:
Torsion dystonia 6 (DYT6). Also called: DYT-THAP1. Identifiers: Orphanet 98806, MedGen C1414216, MONDO:0011264, OMIM 602629.

Allele frequency attached by ClinVar (database versions not stated): gnomAD exomes 0.00128; gnomAD 0.00136 and 0.00142; 1000 Genomes Project 0.00160; TOPMed 0.00176; 1000 Genomes Project 30x 0.00219.
gnomAD v4.1: 1,390 of 1,058,268 alleles (0.13%); highest among the groups gnomAD compares: Middle Eastern, 0.32%; 3 homozygotes.

Submissions (2):

CeGaT Center for Human Genetics Tuebingen
Classification: Likely benign. Last evaluated: 2024-09-01. Review status: criteria provided, single submitter. Criteria: CeGaT Center For Human Genetics Tuebingen Variant Classification Criteria Version 2. Collection method: clinical testing. Allele origin: germline. Affected: yes. Observed: 2 variant alleles.
Comment: THAP1: BS1

Illumina Laboratory Services, Illumina
Classification: Benign for Torsion dystonia 6. Last evaluated: 2018-01-13. Review status: criteria provided, single submitter. Criteria: ICSL Variant Classification Criteria 13 December 2019. Collection method: clinical testing. Allele origin: germline.
Comment: This variant was observed in the ICSL laboratory as part of a predisposition screen in an ostensibly healthy population. It had not been previously curated by ICSL or reported in the Human Gene Mutation Database (HGMD: prior to June 1st, 2018), and was therefore a candidate for classification through an automated scoring system. Utilizing variant allele frequency, disease prevalence and penetrance estimates, and inheritance mode, an automated score was calculated to assess if this variant is too frequent to cause the disease. Based on the score and internal cut-off values, a variant classified as benign is not then subjected to further curation. The score for this variant resulted in a classification of benign for this disease.

NM_018105.3(THAP1):c.*127A>T

Gene: THAP1 (THAP domain containing 1; minus strand). Cytogenetic location: 8p11.21.
Variant type: single nucleotide variant.
Coding change: c.*127A>T on transcript NM_018105.3 (MANE Select); 127 bases downstream of the stop codon, A replaced by T.
Molecular consequence: 3 prime UTR variant.
Genome position (GRCh38, 1-based): chr8:42,837,835, T>A on the plus strand (A>T on the coding strand, the complement: THAP1 is on the minus strand). VCF-style: chr8-42837835-T-A. GRCh37 (hg19) VCF-style: chr8-42692978-T-A.
Other names: c.*411A>T (NM_199003.2).
Identifiers: ClinVar variation 363123 (VCV000363123.36), dbSNP rs369328057, ClinGen allele CA10625501.